The following is an entry in ClinVar:

NM_001081550.2(THOC2):c.1724A>G (p.Asn575Ser)

Gene: THOC2 (THO complex subunit 2; minus strand). Cytogenetic location: Xq25.
Variant type: single nucleotide variant.
Coding change: c.1724A>G on transcript NM_001081550.2 (MANE Select); coding-DNA position 1724, A replaced by G.
Protein change: p.Asn575Ser; replaces asparagine 575 with serine.
Molecular consequence: missense variant.
Genome position (GRCh38, 1-based): chrX:123,640,560, T>C on the plus strand (A>G on the coding strand, the complement: THOC2 is on the minus strand). VCF-style: chrX-123640560-T-C. GRCh37 (hg19) VCF-style: chrX-122774411-T-C.
Other names: short protein forms N575S.
Identifiers: ClinVar variation 1307418 (VCV001307418.2), dbSNP rs2147681337, ClinGen allele CA414269135.

ClinVar aggregate classification (germline): Uncertain significance (1 of 4 stars; one submission).

gnomAD v4.1: 1 of 1,193,783 alleles (0.000084%); highest among the groups gnomAD compares: South Asian, 0.0019%; no homozygotes.

Submission:

GeneDx
Classification: Uncertain significance. Last evaluated: 2019-03-15. Review status: criteria provided, single submitter. Criteria: GeneDx Variant Classification Process June 2021. Collection method: clinical testing. Allele origin: germline. Affected: yes.
Comment: Not observed in large population cohorts (Lek et al., 2016; McVean et al., 2012; Exome Variant Server); Has not been previously published as pathogenic or benign to our knowledge